The following is an entry in ClinVar:

NM_152490.5(B3GALNT2):c.1085_1106del (p.Asp362fs)

Gene: B3GALNT2 (beta-1,3-N-acetylgalactosaminyltransferase 2; minus strand). Cytogenetic location: 1q42.3.
Variant type: Deletion.
Coding change: c.1085_1106del on transcript NM_152490.5 (MANE Select); coding-DNA positions 1085 to 1106, 22 bases deleted (ACCTCGAAGCTGTATTTAATAG).
Protein change: p.Asp362fs; shifts the reading frame from aspartic acid 362.
Molecular consequence: frameshift variant.
Genome position (GRCh38, 1-based): chr1:235,455,604-235,455,625, CTATTAAATACAGCTTCGAGGT deleted on the plus strand (ACCTCGAAGCTGTATTTAATAG on the coding strand, the reverse complement: B3GALNT2 is on the minus strand); deleting any 22 consecutive bases within chr1:235,455,604-235,455,629 gives the same sequence; the c. name uses the placement nearest the transcript's 3' end. VCF-style (leftmost placement, unchanged base first): chr1-235455603-CCTATTAAATACAGCTTCGAGGT-C. GRCh37 (hg19) VCF-style: chr1-235618915-CCTATTAAATACAGCTTCGAGGT-C.
Other names: short protein forms D362fs.
Identifiers: ClinVar variation 3776012 (VCV003776012.1).

ClinVar aggregate classification (germline): Likely pathogenic (1 of 4 stars; one submission).

Conditions:
Muscular dystrophy-dystroglycanopathy (congenital with brain and eye anomalies), type a, 11 (MDDGA11). Also called: Muscular dystrophy-dystroglycanopathy (congenital with brain and eye anomalies, type A, 11; Congenital muscular dystrophy-dystroglycanopathy with brain and eye anomalies, type A11; WALKER-WARBURG SYNDROME OR MUSCLE-EYE-BRAIN DISEASE, B3GALNT2-RELATED. Identifiers: Orphanet 588, Orphanet 899, MedGen C3554638, MONDO:0014071, OMIM 615181.

Submission:

3billion
Classification: Likely pathogenic for Muscular dystrophy-dystroglycanopathy (congenital with brain and eye anomalies), type a, 11. Last evaluated: 2024-02-22. Review status: criteria provided, single submitter. Criteria: ACMG Guidelines, 2015. Collection method: clinical testing. Allele origin: germline. Affected: yes.
Comment: The variant is not observed in the gnomAD v2.1.1 dataset. Predicted Consequence/Location: Frameshift: predicted to result in a loss or disruption of normal protein function through nonsense-mediated decay (NMD) or protein truncation. Multiple pathogenic variants are reported downstream of the variant. Therefore, this variant is classified as Likely pathogenic according to the recommendation of ACMG/AMP guideline.